The following is an entry in ClinVar:

NM_006231.4(POLE):c.1227-7C>T

Gene: POLE (DNA polymerase epsilon, catalytic subunit; minus strand). Cytogenetic location: 12q24.33.
Variant type: single nucleotide variant.
Coding change: c.1227-7C>T on transcript NM_006231.4 (MANE Select); 7 bases into the intron before coding-DNA position 1227, C replaced by T.
Molecular consequence: intron variant.
Genome position (GRCh38, 1-based): chr12:132,673,714, G>A on the plus strand (C>T on the coding strand, the complement: POLE is on the minus strand). VCF-style: chr12-132673714-G-A. GRCh37 (hg19) VCF-style: chr12-133250300-G-A.
Identifiers: ClinVar variation 3627530 (VCV003627530.3).

ClinVar aggregate classification (germline): Likely benign. Review status: criteria provided, multiple submitters, no conflicts (2 of 4 stars). 2 submissions from 2 submitters: Likely benign (2). Last evaluated 2025-02-10.

Conditions:
Colorectal cancer, susceptibility to, 12 (CRCS12). Also called: COLORECTAL CANCER, SUSCEPTIBILITY TO, ON CHROMOSOME 12q24. Identifiers: Orphanet 220460, MedGen C3554460, MONDO:0014038, OMIM 615083.

gnomAD v4.1: 1 of 1,613,330 alleles (0.000062%); highest among the groups gnomAD compares: Non-Finnish European, 0.000085%; no homozygotes.

Submissions (2):

Myriad Genetics, Inc.
Classification: Likely benign for Colorectal cancer, susceptibility to, 12. Last evaluated: 2025-02-10. Review status: criteria provided, single submitter. Criteria: Myriad Autosomal Dominant, Autosomal Recessive and X-Linked Classification Criteria (2023). Collection method: clinical testing. Allele origin: unknown.
Comment: This variant is considered likely benign. This variant is intronic and is not expected to impact mRNA splicing.

Labcorp Genetics (formerly Invitae), Labcorp
Classification: Likely benign. Last evaluated: 2024-02-23. Review status: criteria provided, single submitter. Criteria: Invitae Variant Classification Sherloc (09022015). Collection method: clinical testing. Allele origin: germline.